The following is an entry in ClinVar:

ClinVar aggregate classification (germline): Conflicting classifications of pathogenicity. Review status: criteria provided, conflicting classifications (1 of 4 stars). 2 submissions from 2 submitters: Uncertain significance (1); Likely benign (1). Last evaluated 2024-09-24.

Conditions:
Charcot-Marie-Tooth disease type 4. Also called: Charcot-Marie-Tooth disease, type IV; Charcot-Marie-Tooth, Type 4. Identifiers: Orphanet 64749, MedGen C4082197, MONDO:0018995.
Inborn genetic diseases. Identifiers: MedGen C0950123, MeSH D030342.

Allele frequency attached by ClinVar (database versions not stated): gnomAD 0.00001; gnomAD exomes below 0.00001.
gnomAD v4.1: 3 of 1,610,916 alleles (0.00019%); highest among the groups gnomAD compares: African/African-American, 0.0013%; no homozygotes.

Submissions (2):

Ambry Genetics
Classification: Likely benign for Inborn genetic diseases. Last evaluated: 2024-09-24. Review status: criteria provided, single submitter. Criteria: Ambry Variant Classification Scheme 2023. Collection method: clinical testing. Allele origin: germline.

Labcorp Genetics (formerly Invitae), Labcorp
Classification: Uncertain significance for Charcot-Marie-Tooth disease type 4. Last evaluated: 2021-08-30. Review status: criteria provided, single submitter. Criteria: Invitae Variant Classification Sherloc (09022015). Collection method: clinical testing. Allele origin: germline.
Comment: This sequence change replaces valine with leucine at codon 449 of the SBF2 protein (p.Val449Leu). The valine residue is weakly conserved and there is a small physicochemical difference between valine and leucine. This variant is not present in population databases (ExAC no frequency). This variant has not been reported in the literature in individuals affected with SBF2-related conditions. Algorithms developed to predict the effect of missense changes on protein structure and function output the following: SIFT: "Tolerated"; PolyPhen-2: "Benign"; Align-GVGD: "Class C0". The leucine amino acid residue is found in multiple mammalian species, which suggests that this missense change does not adversely affect protein function. In summary, the available evidence is currently insufficient to determine the role of this variant in disease. Therefore, it has been classified as a Variant of Uncertain Significance.

NM_030962.4(SBF2):c.1345G>C (p.Val449Leu)

Gene: SBF2 (SET binding factor 2; minus strand). Cytogenetic location: 11p15.4.
Variant type: single nucleotide variant.
Coding change: c.1345G>C on transcript NM_030962.4 (MANE Select); coding-DNA position 1345, G replaced by C.
Protein change: p.Val449Leu; replaces valine 449 with leucine.
Molecular consequence: missense variant.
Genome position (GRCh38, 1-based): chr11:9,989,547, C>G on the plus strand (G>C on the coding strand, the complement: SBF2 is on the minus strand). VCF-style: chr11-9989547-C-G. GRCh37 (hg19) VCF-style: chr11-10011094-C-G.
Other names: c.1345G>C, p.Val449Leu (NM_001386339.1); c.1216G>C, p.Val406Leu (NM_001386342.1); short protein forms V449L, V406L.
Identifiers: ClinVar variation 934144 (VCV000934144.8), dbSNP rs1441833591, ClinGen allele CA379636337.
Genomic context (GRCh38, chr11:9,989,547, plus strand): 5'-ACTTACTTACATTTTTGAATAGTTGCTCAGCAAGTTCCCTGACATGCTTTATCATCTTCA[C>G]TGGGTTATTTTCTTCAACTTTAATTCTCTCTACTTCAAAGGCTACCAACTAGGAAAAAGA-3'
Protein context (NP_112224.1, residues 439-459): ERIKVEENNP[Val449Leu]KMIKHVRELA